The following is an entry in ClinVar:

ClinVar aggregate classification (germline): Uncertain significance (1 of 4 stars; one submission).

Conditions:
Dyskeratosis congenita, autosomal recessive 1. Identifiers: Orphanet 1775, MedGen C1857144, MONDO:0009136, OMIM 224230.

Allele frequency attached by ClinVar (database versions not stated): gnomAD exomes below 0.00001.
gnomAD v4.1: 1 of 1,614,134 alleles (0.000062%); highest among the groups gnomAD compares: Non-Finnish European, 0.000085%; no homozygotes.

Submission:

Labcorp Genetics (formerly Invitae), Labcorp
Classification: Uncertain significance for Dyskeratosis congenita, autosomal recessive 1. Last evaluated: 2022-08-17. Review status: criteria provided, single submitter. Criteria: Invitae Variant Classification Sherloc (09022015). Collection method: clinical testing. Allele origin: germline.
Comment: In summary, the available evidence is currently insufficient to determine the role of this variant in disease. Therefore, it has been classified as a Variant of Uncertain Significance. Algorithms developed to predict the effect of missense changes on protein structure and function (SIFT, PolyPhen-2, Align-GVGD) all suggest that this variant is likely to be disruptive. This variant has not been reported in the literature in individuals affected with NOP10-related conditions. This variant is not present in population databases (gnomAD no frequency). This sequence change replaces glutamine, which is neutral and polar, with arginine, which is basic and polar, at codon 58 of the NOP10 protein (p.Gln58Arg).

NM_018648.4(NOP10):c.173A>G (p.Gln58Arg)

Gene: NOP10 (NOP10 ribonucleoprotein; minus strand). Cytogenetic location: 15q14.
Variant type: single nucleotide variant.
Coding change: c.173A>G on transcript NM_018648.4 (MANE Select); coding-DNA position 173, A replaced by G.
Protein change: p.Gln58Arg; replaces glutamine 58 with arginine.
Molecular consequence: missense variant.
Genome position (GRCh38, 1-based): chr15:34,341,990, T>C on the plus strand (A>G on the coding strand, the complement: NOP10 is on the minus strand). VCF-style: chr15-34341990-T-C. GRCh37 (hg19) VCF-style: chr15-34634191-T-C.
Other names: short protein forms Q58R.
Identifiers: ClinVar variation 2199674 (VCV002199674.4), dbSNP rs2510094741, ClinGen allele CA391621956.